The following is an entry in ClinVar:

NM_181078.3(IL21R):c.495C>A (p.Asp165Glu)

Gene: IL21R (interleukin 21 receptor; plus strand). Cytogenetic location: 16p12.1.
Variant type: single nucleotide variant.
Coding change: c.495C>A on transcript NM_181078.3 (MANE Select); coding-DNA position 495, C replaced by A.
Protein change: p.Asp165Glu; replaces aspartic acid 165 with glutamic acid.
Molecular consequence: missense variant.
Genome position (GRCh38, 1-based): chr16:27,443,104, C>A. VCF-style: chr16-27443104-C-A. GRCh37 (hg19) VCF-style: chr16-27454425-C-A.
Other names: c.495C>A, p.Asp165Glu (NM_021798.4); c.561C>A, p.Asp187Glu (NM_181079.5); c.561C>A (NM_181079.4); short protein forms D165E, D187E.
Identifiers: ClinVar variation 540992 (VCV000540992.10), dbSNP rs779790998, ClinGen allele CA7974982.

ClinVar aggregate classification (germline): Uncertain significance. Review status: criteria provided, multiple submitters, no conflicts (2 of 4 stars). 2 submissions from 2 submitters: Uncertain significance (2). Last evaluated 2025-10-15.

Conditions:
Inborn genetic diseases. Identifiers: MedGen C0950123, MeSH D030342.
Cryptosporidiosis-chronic cholangitis-liver disease syndrome. Also called: IL21R immunodeficiency; Immunodeficiency type 56. Identifiers: Orphanet 357329, MedGen C3554687, MONDO:0014082, OMIM 615207.

Allele frequency attached by ClinVar (database versions not stated): gnomAD 0.00005; ExAC 0.00003; gnomAD exomes 0.00005; TOPMed 0.00008; 1000 Genomes Project 30x 0.00031.
gnomAD v4.1: 106 of 1,611,240 alleles (0.0066%); highest among the groups gnomAD compares: Non-Finnish European, 0.0087%; no homozygotes.

Submissions (2):

Ambry Genetics
Classification: Uncertain significance for Inborn genetic diseases. Last evaluated: 2025-10-15. Review status: criteria provided, single submitter. Criteria: Ambry Variant Classification Scheme 2023. Collection method: clinical testing. Allele origin: germline.

Labcorp Genetics (formerly Invitae), Labcorp
Classification: Uncertain significance for Cryptosporidiosis-chronic cholangitis-liver disease syndrome. Last evaluated: 2022-07-14. Review status: criteria provided, single submitter. Criteria: Invitae Variant Classification Sherloc (09022015). Collection method: clinical testing. Allele origin: germline.
Comment: This sequence change replaces aspartic acid, which is acidic and polar, with glutamic acid, which is acidic and polar, at codon 165 of the IL21R protein (p.Asp165Glu). This variant is present in population databases (rs779790998, gnomAD 0.01%). This variant has not been reported in the literature in individuals affected with IL21R-related conditions. ClinVar contains an entry for this variant (Variation ID: 540992). Algorithms developed to predict the effect of missense changes on protein structure and function output the following: SIFT: "Tolerated"; PolyPhen-2: "Benign"; Align-GVGD: "Class C0". The glutamic acid amino acid residue is found in multiple mammalian species, which suggests that this missense change does not adversely affect protein function. In summary, the available evidence is currently insufficient to determine the role of this variant in disease. Therefore, it has been classified as a Variant of Uncertain Significance.